The following is an entry in ClinVar:

ClinVar aggregate classification (germline): Uncertain significance (1 of 4 stars; one submission).

Submission:

Ambry Genetics
Classification: Uncertain significance. Last evaluated: 2022-04-24. Review status: criteria provided, single submitter. Criteria: Ambry Variant Classification Scheme 2023. Collection method: clinical testing. Allele origin: germline.
Comment: The p.Q682P variant (also known as c.2045A>C), located in coding exon 10 of the PALLD gene, results from an A to C substitution at nucleotide position 2045. The glutamine at codon 682 is replaced by proline, an amino acid with similar properties. This amino acid position is conserved. In addition, this alteration is predicted to be deleterious by in silico analysis. Since supporting evidence is limited at this time, the clinical significance of this alteration remains unclear.

NM_001166108.2(PALLD):c.2045A>C (p.Gln682Pro)

Gene: PALLD (palladin, cytoskeletal associated protein; plus strand). Cytogenetic location: 4q32.3.
Variant type: single nucleotide variant.
Coding change: c.2045A>C on transcript NM_001166108.2 (MANE Select); coding-DNA position 2045, A replaced by C.
Protein change: p.Gln682Pro; replaces glutamine 682 with proline.
Molecular consequence: missense variant. On other transcripts: 5 prime UTR variant (4).
Genome position (GRCh38, 1-based): chr4:168,891,002, A>C. VCF-style: chr4-168891002-A-C. GRCh37 (hg19) VCF-style: chr4-169812153-A-C.
Other names: c.899A>C, p.Gln300Pro (NM_001166109.2); c.584A>C, p.Gln195Pro (NM_001166110.2); c.-77A>C (NM_001367567.1, NM_001367568.1, NM_001367569.1 and 1 more transcripts); c.2045A>C, p.Gln682Pro (NM_016081.4); short protein forms Q195P, Q300P, Q682P.
Identifiers: ClinVar variation 1784954 (VCV001784954.2), dbSNP rs2533587566, ClinGen allele CA358797225.